The following is an entry in ClinVar:

NM_000395.3(CSF2RB):c.1867C>G (p.Pro623Ala)

Gene: CSF2RB (colony stimulating factor 2 receptor subunit beta; plus strand). Cytogenetic location: 22q12.3.
Variant type: single nucleotide variant.
Coding change: c.1867C>G on transcript NM_000395.3 (MANE Select); coding-DNA position 1867, C replaced by G.
Protein change: p.Pro623Ala; replaces proline 623 with alanine.
Molecular consequence: missense variant.
Genome position (GRCh38, 1-based): chr22:36,937,675, C>G. VCF-style: chr22-36937675-C-G. GRCh37 (hg19) VCF-style: chr22-37333717-C-G.
Other names: short protein forms P623A.
Identifiers: ClinVar variation 1507751 (VCV001507751.8), dbSNP rs1179854719, ClinGen allele CA411410352.
Genomic context (GRCh38, chr22:36,937,675, plus strand): 5'-CCTGACATCCTGGGCCAGCCGGAGCCCCCACAGGAGGGTGGGAGCCAGAAGTCCCCACCT[C>G]CAGGGTCCCTGGAGTACCTGTGTCTGCCTGCTGGGGGGCAGGTGCAACTGGTCCCTCTGG-3'
Protein context (NP_000386.1, residues 613-633): QEGGSQKSPP[Pro623Ala]GSLEYLCLPA

ClinVar aggregate classification (germline): Uncertain significance (1 of 4 stars; one submission).

Submission:

Labcorp Genetics (formerly Invitae), Labcorp
Classification: Uncertain significance. Last evaluated: 2022-08-23. Review status: criteria provided, single submitter. Criteria: Invitae Variant Classification Sherloc (09022015). Collection method: clinical testing. Allele origin: germline.
Comment: In summary, the available evidence is currently insufficient to determine the role of this variant in disease. Therefore, it has been classified as a Variant of Uncertain Significance. Algorithms developed to predict the effect of missense changes on protein structure and function output the following: SIFT: "Tolerated"; PolyPhen-2: "Benign"; Align-GVGD: "Class C0". The alanine amino acid residue is found in multiple mammalian species, which suggests that this missense change does not adversely affect protein function. ClinVar contains an entry for this variant (Variation ID: 1507751). This variant has not been reported in the literature in individuals affected with CSF2RB-related conditions. This variant is not present in population databases (gnomAD no frequency). This sequence change replaces proline, which is neutral and non-polar, with alanine, which is neutral and non-polar, at codon 623 of the CSF2RB protein (p.Pro623Ala).